The following is an entry in ClinVar:

ClinVar aggregate classification (germline): Uncertain significance (1 of 4 stars; one submission).

Allele frequency attached by ClinVar (database versions not stated): TOPMed below 0.00001.

Submission:

Labcorp Genetics (formerly Invitae), Labcorp
Classification: Uncertain significance. Last evaluated: 2023-08-31. Review status: criteria provided, single submitter. Criteria: Invitae Variant Classification Sherloc (09022015). Collection method: clinical testing. Allele origin: germline.
Comment: This variant has not been reported in the literature in individuals affected with TNFAIP3-related conditions. In summary, the available evidence is currently insufficient to determine the role of this variant in disease. Therefore, it has been classified as a Variant of Uncertain Significance. Advanced modeling of protein sequence and biophysical properties (such as structural, functional, and spatial information, amino acid conservation, physicochemical variation, residue mobility, and thermodynamic stability) performed at Invitae indicates that this missense variant is expected to disrupt TNFAIP3 protein function. This variant is not present in population databases (gnomAD no frequency). This sequence change replaces serine, which is neutral and polar, with phenylalanine, which is neutral and non-polar, at codon 176 of the TNFAIP3 protein (p.Ser176Phe).

NM_001270508.2(TNFAIP3):c.527C>T (p.Ser176Phe)

Genes: TNFAIP3 (TNF alpha induced protein 3; plus strand), LOC126859807 (MED14-independent group 3 enhancer GRCh37_chr6:138196296-138197495; plus strand). Cytogenetic location: 6q23.3.
Variant type: single nucleotide variant.
Coding change: c.527C>T on transcript NM_001270508.2 (MANE Select); coding-DNA position 527, C replaced by T.
Protein change: p.Ser176Phe; replaces serine 176 with phenylalanine.
Molecular consequence: missense variant.
Genome position (GRCh38, 1-based): chr6:137,875,728, C>T. VCF-style: chr6-137875728-C-T. GRCh37 (hg19) VCF-style: chr6-138196865-C-T.
Other names: c.527C>T, p.Ser176Phe (NM_001270507.2, NM_006290.4); short protein forms S176F.
Identifiers: ClinVar variation 2794651 (VCV002794651.3), dbSNP rs1776223812, ClinGen allele CA365783104.